The following is an entry in ClinVar:

ClinVar aggregate classification (germline): Uncertain significance. Review status: criteria provided, multiple submitters, no conflicts (2 of 4 stars). 2 submissions from 2 submitters: Uncertain significance (2). Last evaluated 2025-11-18.

Conditions:
Charcot-Marie-Tooth disease type 2. Also called: Charcot-Marie-Tooth type 2. Identifiers: Orphanet 64746, MedGen C0270914, MONDO:0018993.

Allele frequency attached by ClinVar (database versions not stated): gnomAD exomes 0.00001 and 0.00002; gnomAD 0.00003 and 0.00004; ESP Exome Variant Server 0.00008; TOPMed 0.00003; ExAC 0.00001.
gnomAD v4.1: 34 of 1,614,068 alleles (0.0021%); highest among the groups gnomAD compares: African/African-American, 0.0053%; no homozygotes.

Submissions (2):

Labcorp Genetics (formerly Invitae), Labcorp
Classification: Uncertain significance for Charcot-Marie-Tooth disease type 2. Last evaluated: 2025-11-18. Review status: criteria provided, single submitter. Criteria: Invitae Variant Classification Sherloc (09022015). Collection method: clinical testing. Allele origin: germline.
Comment: This sequence change replaces serine, which is neutral and polar, with asparagine, which is neutral and polar, at codon 851 of the AARS protein (p.Ser851Asn). This variant is present in population databases (rs368011194, gnomAD 0.007%). This variant has not been reported in the literature in individuals affected with AARS-related conditions. ClinVar contains an entry for this variant (Variation ID: 246012). Invitae Evidence Modeling of protein sequence and biophysical properties (such as structural, functional, and spatial information, amino acid conservation, physicochemical variation, residue mobility, and thermodynamic stability) indicates that this missense variant is not expected to disrupt AARS protein function with a negative predictive value of 80%. In summary, the available evidence is currently insufficient to determine the role of this variant in disease. Therefore, it has been classified as a Variant of Uncertain Significance.

GeneDx
Classification: Uncertain significance. Last evaluated: 2015-11-11. Review status: criteria provided, single submitter. Criteria: GeneDx Variant Classification (06012015). Collection method: clinical testing. Allele origin: germline. Affected: yes.
Comment: The S851N variant has not been published as a pathogenic variant, nor has it been reported as a benign variant to our knowledge. It was not observed with any significant frequency in approximately 6,500 individuals of European and African American ancestry in the NHLBI Exome Sequencing Project. This substitution occurs at a position that is conserved in mammals. However, the S851N variant is a conservative amino acid substitution, which is not likely to impact secondary protein structure as these residues share similar properties, and in silico analysis is inconsistent in its predictions as to whether or not the variant is damaging to the protein structure/function. Therefore, based on the currently available information, it is unclear whether this variant is a pathogenic variant or a rare benign variant.

NM_001605.3(AARS1):c.2552G>A (p.Ser851Asn)

Gene: AARS1 (alanyl-tRNA synthetase 1; minus strand). Cytogenetic location: 16q22.1.
Variant type: single nucleotide variant.
Coding change: c.2552G>A on transcript NM_001605.3 (MANE Select); coding-DNA position 2552, G replaced by A.
Protein change: p.Ser851Asn; replaces serine 851 with asparagine.
Molecular consequence: missense variant.
Genome position (GRCh38, 1-based): chr16:70,253,769, C>T on the plus strand (G>A on the coding strand, the complement: AARS1 is on the minus strand). VCF-style: chr16-70253769-C-T. GRCh37 (hg19) VCF-style: chr16-70287672-C-T.
Other names: short protein forms S851N.
Identifiers: ClinVar variation 246012 (VCV000246012.10), dbSNP rs368011194, ClinGen allele CA8140366.